The following is an entry in ClinVar:

NM_001378120.1(MBD5):c.2752C>T (p.Leu918Phe)

Gene: MBD5 (methyl-CpG binding domain protein 5; plus strand). Cytogenetic location: 2q23.1.
Variant type: single nucleotide variant.
Coding change: c.2752C>T on transcript NM_001378120.1 (MANE Select); coding-DNA position 2752, C replaced by T.
Protein change: p.Leu918Phe; replaces leucine 918 with phenylalanine.
Molecular consequence: missense variant.
Genome position (GRCh38, 1-based): chr2:148,483,343, C>T. VCF-style: chr2-148483343-C-T. GRCh37 (hg19) VCF-style: chr2-149240912-C-T.
Other names: c.2752C>T, p.Leu918Phe (NM_018328.5); c.2752C>T (NM_018328.4); short protein forms L918F.
Identifiers: ClinVar variation 2978486 (VCV002978486.4), dbSNP rs1351723581, ClinGen allele CA348722625.

ClinVar aggregate classification (germline): Uncertain significance. Review status: criteria provided, multiple submitters, no conflicts (2 of 4 stars). 2 submissions from 2 submitters: Uncertain significance (2). Last evaluated 2025-10-01.

Conditions:
Intellectual developmental disorder, autosomal dominant 1. Also called: MBD5 Haploinsufficiency; Intellectual disability, autosomal dominant 1. Identifiers: Orphanet 228402, MedGen C1969562, MONDO:0007974, OMIM 156200.
MBD5-related disorder. Also called: MBD5-related condition.

Allele frequency attached by ClinVar (database versions not stated): gnomAD exomes below 0.00001.
gnomAD v4.1: 2 of 1,614,106 alleles (0.00012%); highest among the groups gnomAD compares: South Asian, 0.0022%; no homozygotes.

Submissions (2):

PreventionGenetics, part of Exact Sciences
Classification: Uncertain significance for MBD5-related condition. Last evaluated: 2025-10-01. Review status: criteria provided, single submitter. Criteria: ACMG Guidelines, 2015. Collection method: clinical testing. Allele origin: germline.
Comment: The MBD5 c.2752C>T variant is predicted to result in the amino acid substitution p.Leu918Phe. To our knowledge, this variant has not been reported in the literature or in a large population database (gnomAD), indicating this variant is rare. At this time, the clinical significance of this variant is uncertain due to the absence of conclusive functional and genetic evidence.

Labcorp Genetics (formerly Invitae), Labcorp
Classification: Uncertain significance for Intellectual developmental disorder, autosomal dominant 1. Last evaluated: 2023-12-07. Review status: criteria provided, single submitter. Criteria: Invitae Variant Classification Sherloc (09022015). Collection method: clinical testing. Allele origin: germline.
Comment: This sequence change replaces leucine, which is neutral and non-polar, with phenylalanine, which is neutral and non-polar, at codon 918 of the MBD5 protein (p.Leu918Phe). This variant is not present in population databases (gnomAD no frequency). This variant has not been reported in the literature in individuals affected with MBD5-related conditions. Advanced modeling of protein sequence and biophysical properties (such as structural, functional, and spatial information, amino acid conservation, physicochemical variation, residue mobility, and thermodynamic stability) performed at Invitae indicates that this missense variant is not expected to disrupt MBD5 protein function with a negative predictive value of 80%. In summary, the available evidence is currently insufficient to determine the role of this variant in disease. Therefore, it has been classified as a Variant of Uncertain Significance.